The following is an entry in ClinVar:

NM_006393.3(NEBL):c.2313A>T (p.Arg771Ser)

Gene: NEBL (nebulette; minus strand). Cytogenetic location: 10p12.31.
Variant type: single nucleotide variant.
Coding change: c.2313A>T on transcript NM_006393.3 (MANE Select); coding-DNA position 2313, A replaced by T.
Protein change: p.Arg771Ser; replaces arginine 771 with serine.
Molecular consequence: missense variant. On other transcripts: intron variant (9).
Genome position (GRCh38, 1-based): chr10:20,813,972, T>A on the plus strand (A>T on the coding strand, the complement: NEBL is on the minus strand). VCF-style: chr10-20813972-T-A. GRCh37 (hg19) VCF-style: chr10-21102901-T-A.
Other names: c.250-1032A>T (NM_001377326.1, NM_001377327.1, NM_001377328.1); c.358-1032A>T (NM_213569.2, NM_001173484.2, NM_001377322.1); c.301-1032A>T (NM_001377324.1); c.292-1032A>T (NM_001377325.1); c.310-1032A>T (NM_001377323.1); short protein forms R771S.
Identifiers: ClinVar variation 2158218 (VCV002158218.4), dbSNP rs1470973545, ClinGen allele CA376093635.

ClinVar aggregate classification (germline): Uncertain significance (1 of 4 stars; one submission).

Conditions:
Primary dilated cardiomyopathy (DCM). Also called: Dilated Cardiomyopathy. Identifiers: Orphanet 217604, MedGen C0007193, MeSH D002311, MONDO:0005021, HP:0001644. Inheritance: Various modes of inheritance.

Allele frequency attached by ClinVar (database versions not stated): gnomAD 0.00001; TOPMed 0.00001.
gnomAD v4.1: 1 of 1,609,372 alleles (0.000062%); highest among the groups gnomAD compares: African/African-American, 0.0013%; no homozygotes.

Submission:

Labcorp Genetics (formerly Invitae), Labcorp
Classification: Uncertain significance for Primary dilated cardiomyopathy. Last evaluated: 2022-04-11. Review status: criteria provided, single submitter. Criteria: Invitae Variant Classification Sherloc (09022015). Collection method: clinical testing. Allele origin: germline.
Comment: This variant has not been reported in the literature in individuals affected with NEBL-related conditions. This sequence change replaces arginine, which is basic and polar, with serine, which is neutral and polar, at codon 771 of the NEBL protein (p.Arg771Ser). This variant is present in population databases (no rsID available, gnomAD 0.01%). Algorithms developed to predict the effect of missense changes on protein structure and function are either unavailable or do not agree on the potential impact of this missense change (SIFT: "Tolerated"; PolyPhen-2: "Probably Damaging"; Align-GVGD: "Class C0"). In summary, the available evidence is currently insufficient to determine the role of this variant in disease. Therefore, it has been classified as a Variant of Uncertain Significance.